The following is an entry in ClinVar:

ClinVar aggregate classification (germline): Uncertain significance (1 of 4 stars; one submission).

Conditions:
Dyskeratosis congenita, autosomal dominant 2. Identifiers: MedGen C3151443, MONDO:0013521, OMIM 613989.
Idiopathic Pulmonary Fibrosis. Also called: Idiopathic fibrosing alveolitis, chronic form; idiopathic fibrosing alveolitis. Identifiers: Orphanet 2032, MedGen C1800706, MeSH D054990, MONDO:0800504.

Submission:

Labcorp Genetics (formerly Invitae), Labcorp
Classification: Uncertain significance for Dyskeratosis congenita, autosomal dominant 2; Idiopathic Pulmonary Fibrosis. Last evaluated: 2025-01-15. Review status: criteria provided, single submitter. Criteria: Invitae Variant Classification Sherloc (09022015). Collection method: clinical testing. Allele origin: germline.
Comment: This sequence change replaces glutamine, which is neutral and polar, with proline, which is neutral and non-polar, at codon 302 of the TERT protein (p.Gln302Pro). This variant is not present in population databases (gnomAD no frequency). This variant has not been reported in the literature in individuals affected with TERT-related conditions. Invitae Evidence Modeling of protein sequence and biophysical properties (such as structural, functional, and spatial information, amino acid conservation, physicochemical variation, residue mobility, and thermodynamic stability) indicates that this missense variant is not expected to disrupt TERT protein function with a negative predictive value of 95%. In summary, the available evidence is currently insufficient to determine the role of this variant in disease. Therefore, it has been classified as a Variant of Uncertain Significance.

NM_198253.3(TERT):c.905A>C (p.Gln302Pro)

Gene: TERT (telomerase reverse transcriptase; minus strand). Cytogenetic location: 5p15.33.
Variant type: single nucleotide variant.
Coding change: c.905A>C on transcript NM_198253.3 (MANE Select); coding-DNA position 905, A replaced by C.
Protein change: p.Gln302Pro; replaces glutamine 302 with proline.
Molecular consequence: missense variant. On other transcripts: non-coding transcript variant (2).
Genome position (GRCh38, 1-based): chr5:1,293,981, T>G on the plus strand (A>C on the coding strand, the complement: TERT is on the minus strand). VCF-style: chr5-1293981-T-G. GRCh37 (hg19) VCF-style: chr5-1294096-T-G.
Other names: c.905A>C, p.Gln302Pro (NM_001193376.3); short protein forms Q302P.
Identifiers: ClinVar variation 3756945 (VCV003756945.2).